The following is an entry in ClinVar:

ClinVar aggregate classification (germline): Benign/Likely benign. Review status: criteria provided, multiple submitters, no conflicts (2 of 4 stars). 2 submissions from 2 submitters: Benign (1); Likely benign (1). Last evaluated 2025-09-22.

Conditions:
Hereditary North American Indian childhood cirrhosis. Identifiers: Orphanet 168583, MedGen C1858051, MONDO:0011497, OMIM 604901.

Allele frequency attached by ClinVar (database versions not stated): gnomAD 0.00002 and 0.00024; TOPMed 0.00007; gnomAD exomes 0.00051 and 0.00107; 1000 Genomes Project 30x 0.00109; ExAC 0.00127; 1000 Genomes Project 0.00140.
gnomAD v4.1: 780 of 1,614,204 alleles (0.048%); highest among the groups gnomAD compares: South Asian, 0.81%; 6 homozygotes.

Submissions (2):

Labcorp Genetics (formerly Invitae), Labcorp
Classification: Benign. Last evaluated: 2025-09-22. Review status: criteria provided, single submitter. Criteria: Invitae Variant Classification Sherloc (09022015). Collection method: clinical testing. Allele origin: germline.

Illumina Laboratory Services, Illumina
Classification: Likely benign for Hereditary North American Indian childhood cirrhosis. Last evaluated: 2018-01-13. Review status: criteria provided, single submitter. Criteria: ICSL Variant Classification Criteria 13 December 2019. Collection method: clinical testing. Allele origin: germline.
Comment: This variant was observed in the ICSL laboratory as part of a predisposition screen in an ostensibly healthy population. It had not been previously curated by ICSL or reported in the Human Gene Mutation Database (HGMD: prior to June 1st, 2018), and was therefore a candidate for classification through an automated scoring system. Utilizing variant allele frequency, disease prevalence and penetrance estimates, and inheritance mode, an automated score was calculated to assess if this variant is too frequent to cause the disease. Based on the score and internal cut-off values, a variant classified as likely benign is not then subjected to further curation. The score for this variant resulted in a classification of likely benign for this disease.

NM_032830.3(UTP4):c.635T>C (p.Val212Ala)

Gene: UTP4 (UTP4 small subunit processome component). Cytogenetic location: 16q22.1.
Variant type: single nucleotide variant.
Coding change: c.635T>C on transcript NM_032830.3 (MANE Select); coding-DNA position 635, T replaced by C.
Protein change: p.Val212Ala; replaces valine 212 with alanine.
Molecular consequence: missense variant.
Genome position (GRCh38, 1-based): chr16:69,143,286, T>C. VCF-style: chr16-69143286-T-C. GRCh37 (hg19) VCF-style: chr16-69177189-T-C.
Other names: c.386T>C, p.Val129Ala (NM_001318391.2); short protein forms V212A, V129A.
Identifiers: ClinVar variation 887047 (VCV000887047.8), dbSNP rs538321215, ClinGen allele CA8132122.
Genomic context (GRCh38, chr16:69,143,286, plus strand): 5'-CTAAGCGGAAGTGCATCGTGTGGGGTGTCGCCTTCTTGTCCGATGGCACTATCATAAGTG[T>C]GGACTCTGCTGGGAAGGTGCAGTTCTGGGACTCAGCCACTGGGACGCTTGTGAAGAGCCA-3'
Protein context (NP_116219.2, residues 202-222): AFLSDGTIIS[Val212Ala]DSAGKVQFWD